The following is an entry in ClinVar:

NM_000138.5(FBN1):c.6806T>G (p.Ile2269Ser)

Gene: FBN1 (fibrillin 1; minus strand). Cytogenetic location: 15q21.1.
Variant type: single nucleotide variant.
Coding change: c.6806T>G on transcript NM_000138.5 (MANE Select); coding-DNA position 6806, T replaced by G.
Protein change: p.Ile2269Ser; replaces isoleucine 2269 with serine.
Molecular consequence: missense variant.
Genome position (GRCh38, 1-based): chr15:48,430,736, A>C on the plus strand (T>G on the coding strand, the complement: FBN1 is on the minus strand). VCF-style: chr15-48430736-A-C. GRCh37 (hg19) VCF-style: chr15-48722933-A-C.
Other names: c.6806T>G, p.Ile2269Ser (NM_001406716.1); short protein forms I2269S.
Identifiers: ClinVar variation 2453684 (VCV002453684.3), dbSNP rs193922228, ClinGen allele CA392332374.

ClinVar aggregate classification (germline): Conflicting classifications of pathogenicity. Review status: criteria provided, conflicting classifications (1 of 4 stars). 2 submissions from 2 submitters: Likely pathogenic (1); Uncertain significance (1). Last evaluated 2025-02-25.

Conditions:
Familial thoracic aortic aneurysm and aortic dissection (TAAD). Also called: Thoracic aortic aneurysms and dissections. Identifiers: Orphanet 91387, MedGen C4707243, MONDO:0019625.
Marfan syndrome (MFS). Also called: MARFAN SYNDROME, TYPE I; FBN1-Related Marfan Syndrome; Marfan syndrome type 1; Marfan's syndrome; Marfan syndrome, classic. Identifiers: Orphanet 284963, Orphanet 558, MedGen C0024796, MONDO:0007947, OMIM 154700.

Submissions (2):

Labcorp Genetics (formerly Invitae), Labcorp
Classification: Likely pathogenic for Marfan syndrome; Familial thoracic aortic aneurysm and aortic dissection. Last evaluated: 2025-02-25. Review status: criteria provided, single submitter. Criteria: Invitae Variant Classification Sherloc (09022015). Collection method: clinical testing. Allele origin: germline.
Comment: This sequence change replaces isoleucine, which is neutral and non-polar, with serine, which is neutral and polar, at codon 2269 of the FBN1 protein (p.Ile2269Ser). This variant is not present in population databases (gnomAD no frequency). This missense change has been observed in individual(s) with thoracic aortic aneurysm and aortic dissection (internal data). ClinVar contains an entry for this variant (Variation ID: 2453684). Invitae Evidence Modeling of protein sequence and biophysical properties (such as structural, functional, and spatial information, amino acid conservation, physicochemical variation, residue mobility, and thermodynamic stability) indicates that this missense variant is expected to disrupt FBN1 protein function with a positive predictive value of 95%. This variant disrupts the p.Ile2269 amino acid residue in FBN1. Other variant(s) that disrupt this residue have been determined to be pathogenic (PMID: 10464652, 12203992, 16342915, 18435798, 19159394, 19293843, 25907466, 27611364). This suggests that this residue is clinically significant, and that variants that disrupt this residue are likely to be disease-causing. In summary, the currently available evidence indicates that the variant is pathogenic, but additional data are needed to prove that conclusively. Therefore, this variant has been classified as Likely Pathogenic.

Ambry Genetics
Classification: Uncertain significance for Familial thoracic aortic aneurysm and aortic dissection. Last evaluated: 2023-02-23. Review status: criteria provided, single submitter. Criteria: Ambry Variant Classification Scheme 2023. Collection method: clinical testing. Allele origin: germline.
Comment: The p.I2269S variant (also known as c.6806T>G), located in coding exon 55 of the FBN1 gene, results from a T to G substitution at nucleotide position 6806. The isoleucine at codon 2269 is replaced by serine, an amino acid with dissimilar properties. Another alteration at the same codon, p.I2269T (c.6806T>C), has been detected in multiple individuals with a clinical diagnosis of Marfan syndrome (MFS) and was reported to be de novo in two of the probands (Katzke S et al, Hum. Mutat. 2002; 20(3):197-208; Attanasio M et al, Clin. Genet. 2008l; 74(1):39-46; S&ouml;ylen B et al, Clin. Genet. 2009; 75(3):265-70; Stheneur C et al. Eur. J. Hum. Genet. 2009;17:1121-8; Proost D et al. Hum. Mutat. 2015;36:808-14). This amino acid position is highly conserved in available vertebrate species. In addition, this alteration is predicted to be deleterious by in silico analysis. Since supporting evidence is limited at this time, the clinical significance of this alteration remains unclear.

Literature cited by the submitters: PubMed 10464652 (cited by Labcorp Genetics (formerly Invitae), Labcorp); PubMed 12203992 (cited by Labcorp Genetics (formerly Invitae), Labcorp); PubMed 16342915 (cited by Labcorp Genetics (formerly Invitae), Labcorp); PubMed 18435798 (cited by Labcorp Genetics (formerly Invitae), Labcorp); PubMed 19159394 (cited by Labcorp Genetics (formerly Invitae), Labcorp); PubMed 19293843 (cited by Labcorp Genetics (formerly Invitae), Labcorp); PubMed 25907466 (cited by Labcorp Genetics (formerly Invitae), Labcorp); PubMed 27611364 (cited by Labcorp Genetics (formerly Invitae), Labcorp).